The following is an entry in ClinVar:

ClinVar aggregate classification (germline): Uncertain significance. Review status: criteria provided, multiple submitters, no conflicts (2 of 4 stars). 2 submissions from 2 submitters: Uncertain significance (2). Last evaluated 2025-08-09.

Conditions:
Frasier syndrome. Identifiers: Orphanet 347, MedGen C0950122, MeSH D052159, MONDO:0007635, OMIM 136680.
Drash syndrome (DDS). Also called: NEPHROPATHY, WILMS TUMOR, AND GENITAL ANOMALIES; WILMS TUMOR AND PSEUDO- OR TRUE HERMAPHRODITISM. Identifiers: Orphanet 220, MedGen C0950121, MONDO:0008682, OMIM 194080.
Wilms tumor 1 (WT1). Also called: Wilms tumor, somatic. Identifiers: Orphanet 654, MedGen CN033288, MONDO:0008679, OMIM 194070.
11p partial monosomy syndrome (WAGR). Also called: WAGR syndrome; WAGR Complex; CHROMOSOME 11p13 DELETION SYNDROME; WAGR Spectrum Disorder. Identifiers: Orphanet 893, MedGen C0206115, MONDO:0008681, OMIM 194072.
Mesothelioma, malignant (MESOM). Also called: Malignant mesothelioma (disease). Identifiers: Orphanet 50251, MedGen C0345967, MONDO:0006292, OMIM 156240, HP:0100001.
Meacham syndrome. Also called: Meacham Winn Culler syndrome. Identifiers: Orphanet 3097, MedGen C1837026, MONDO:0012164, OMIM 608978.
Nephrotic syndrome, type 4 (NPHS4). Also called: Familial mesangial sclerosis; Nephrotic syndrome, early onset with diffuse mesangial sclerosis. Identifiers: Orphanet 656, MedGen C3151568, MONDO:0009733, OMIM 256370.

Allele frequency attached by ClinVar (database versions not stated): ExAC 0.00001; gnomAD exomes 0.00001; gnomAD 0.00003; TOPMed 0.00004.
gnomAD v4.1: 14 of 1,612,704 alleles (0.00087%); highest among the groups gnomAD compares: Middle Eastern, 0.017%; no homozygotes.

Submissions (2):

Labcorp Genetics (formerly Invitae), Labcorp
Classification: Uncertain significance for Wilms tumor 1; Drash syndrome; 11p partial monosomy syndrome; Frasier syndrome. Last evaluated: 2025-08-09. Review status: criteria provided, single submitter. Criteria: Invitae Variant Classification Sherloc (09022015). Collection method: clinical testing. Allele origin: germline.
Comment: This sequence change falls in intron 1 of the WT1 gene. It does not directly change the encoded amino acid sequence of the WT1 protein. It affects a nucleotide within the consensus splice site. This variant is present in population databases (rs557166021, gnomAD 0.006%). This variant has not been reported in the literature in individuals affected with WT1-related conditions. ClinVar contains an entry for this variant (Variation ID: 241485). Variants that disrupt the consensus splice site are a relatively common cause of aberrant splicing (PMID: 17576681, 9536098). Algorithms developed to predict the effect of sequence changes on RNA splicing suggest that this variant is not likely to affect RNA splicing. In summary, the available evidence is currently insufficient to determine the role of this variant in disease. Therefore, it has been classified as a Variant of Uncertain Significance.

Fulgent Genetics
Classification: Uncertain significance for Frasier syndrome; Mesothelioma, malignant; Wilms tumor 1; Drash syndrome; Nephrotic syndrome, type 4; Meacham syndrome. Last evaluated: 2024-04-16. Review status: criteria provided, single submitter. Criteria: ACMG Guidelines, 2015. Collection method: clinical testing. Allele origin: germline.

Literature cited by the submitters: PubMed 17576681 (cited by Labcorp Genetics (formerly Invitae), Labcorp); PubMed 9536098 (cited by Labcorp Genetics (formerly Invitae), Labcorp).

NM_024426.6(WT1):c.661+6T>C

Genes: WT1 (WT1 transcription factor; minus strand), LOC107982234 (WT1/WT1-AS bi-directional promoter region; plus strand). Cytogenetic location: 11p13.
Variant type: single nucleotide variant.
Coding change: c.661+6T>C on transcript NM_024426.6 (MANE Select); 6 bases into the intron after coding-DNA position 661, T replaced by C.
Molecular consequence: intron variant.
Genome position (GRCh38, 1-based): chr11:32,434,694, A>G on the plus strand (T>C on the coding strand, the complement: WT1 is on the minus strand). VCF-style: chr11-32434694-A-G. GRCh37 (hg19) VCF-style: chr11-32456240-A-G.
Other names: c.661+6T>C (NM_000378.6, NM_024424.5).
Identifiers: ClinVar variation 241485 (VCV000241485.12), dbSNP rs557166021, ClinGen allele CA065217.